The following is an entry in ClinVar:

NM_001909.5(CTSD):c.1119G>T (p.Met373Ile)

Gene: CTSD (cathepsin D; minus strand). Cytogenetic location: 11p15.5.
Variant type: single nucleotide variant.
Coding change: c.1119G>T on transcript NM_001909.5 (MANE Select); coding-DNA position 1119, G replaced by T.
Protein change: p.Met373Ile; replaces methionine 373 with isoleucine.
Molecular consequence: missense variant.
Genome position (GRCh38, 1-based): chr11:1,753,623, C>A on the plus strand (G>T on the coding strand, the complement: CTSD is on the minus strand). VCF-style: chr11-1753623-C-A. GRCh37 (hg19) VCF-style: chr11-1774853-C-A.
Other names: short protein forms M373I.
Identifiers: ClinVar variation 1960720 (VCV001960720.2), dbSNP rs796052398, ClinGen allele CA379092645.

ClinVar aggregate classification (germline): Uncertain significance (1 of 4 stars; one submission).

Conditions:
Neuronal ceroid lipofuscinosis. Also called: Neuronal Ceroid Lipofuscinoses. Identifiers: Orphanet 216, Orphanet 79263, MedGen C0027877, MONDO:0016295. Disease mechanism: loss of function.

Submission:

Labcorp Genetics (formerly Invitae), Labcorp
Classification: Uncertain significance for Neuronal ceroid lipofuscinosis. Last evaluated: 2022-08-19. Review status: criteria provided, single submitter. Criteria: Invitae Variant Classification Sherloc (09022015). Collection method: clinical testing. Allele origin: germline.
Comment: This sequence change replaces methionine, which is neutral and non-polar, with isoleucine, which is neutral and non-polar, at codon 373 of the CTSD protein (p.Met373Ile). This variant is not present in population databases (gnomAD no frequency). This variant has not been reported in the literature in individuals affected with CTSD-related conditions. Algorithms developed to predict the effect of missense changes on protein structure and function (SIFT, PolyPhen-2, Align-GVGD) all suggest that this variant is likely to be tolerated. In summary, the available evidence is currently insufficient to determine the role of this variant in disease. Therefore, it has been classified as a Variant of Uncertain Significance.